The following is an entry in ClinVar:

ClinVar aggregate classification (germline): Conflicting classifications of pathogenicity. Review status: criteria provided, conflicting classifications (1 of 4 stars). 3 submissions from 3 submitters: Uncertain significance (2); Likely benign (1). Last evaluated 2025-11-30.

Conditions:
Inborn genetic diseases. Identifiers: MedGen C0950123, MeSH D030342.
CREBBP-related disorder. Also called: CREBBP-related condition; CREBBP-related disorders.
Rubinstein-Taybi syndrome (RSTS). Identifiers: Orphanet 783, MedGen C0035934, MONDO:0019188.

Allele frequency attached by ClinVar (database versions not stated): gnomAD exomes below 0.00001; ExAC 0.00001; gnomAD 0.00001.
gnomAD v4.1: 6 of 1,614,028 alleles (0.00037%); highest among the groups gnomAD compares: Admixed American, 0.0017%; no homozygotes.

Submissions (3):

Labcorp Genetics (formerly Invitae), Labcorp
Classification: Likely benign for Rubinstein-Taybi syndrome. Last evaluated: 2025-11-30. Review status: criteria provided, single submitter. Criteria: Invitae Variant Classification Sherloc (09022015). Collection method: clinical testing. Allele origin: germline.

Ambry Genetics
Classification: Uncertain significance for Inborn genetic diseases. Last evaluated: 2025-08-01. Review status: criteria provided, single submitter. Criteria: Ambry Variant Classification Scheme 2023. Collection method: clinical testing. Allele origin: germline.

PreventionGenetics, part of Exact Sciences
Classification: Uncertain significance for CREBBP-related condition. Last evaluated: 2024-10-23. Review status: criteria provided, single submitter. Criteria: ACMG Guidelines, 2015. Collection method: clinical testing. Allele origin: germline.
Comment: The CREBBP c.1559C>T variant is predicted to result in the amino acid substitution p.Thr520Ile. To our knowledge, this variant has not been reported in the literature. This variant is reported in 0.0029% of alleles in individuals of Latino descent in gnomAD. At this time, the clinical significance of this variant is uncertain due to the absence of conclusive functional and genetic evidence.

NM_004380.3(CREBBP):c.1559C>T (p.Thr520Ile)

Gene: CREBBP (CREB binding lysine acetyltransferase; minus strand). Cytogenetic location: 16p13.3.
Variant type: single nucleotide variant.
Coding change: c.1559C>T on transcript NM_004380.3 (MANE Select); coding-DNA position 1559, C replaced by T.
Protein change: p.Thr520Ile; replaces threonine 520 with isoleucine.
Molecular consequence: missense variant.
Genome position (GRCh38, 1-based): chr16:3,782,698, G>A on the plus strand (C>T on the coding strand, the complement: CREBBP is on the minus strand). VCF-style: chr16-3782698-G-A. GRCh37 (hg19) VCF-style: chr16-3832699-G-A.
Other names: c.1445C>T, p.Thr482Ile (NM_001079846.1); short protein forms T482I, T520I.
Identifiers: ClinVar variation 2628575 (VCV002628575.4), dbSNP rs763651145, ClinGen allele CA7870436.